The following is an entry in ClinVar:

NM_001177316.2(SLC34A3):c.560+36A>G

Gene: SLC34A3 (solute carrier family 34 member 3; plus strand). Cytogenetic location: 9q34.3.
Variant type: single nucleotide variant.
Coding change: c.560+36A>G on transcript NM_001177316.2 (MANE Select); 36 bases into the intron after coding-DNA position 560, A replaced by G.
Molecular consequence: intron variant.
Genome position (GRCh38, 1-based): chr9:137,233,151, A>G. VCF-style: chr9-137233151-A-G. GRCh37 (hg19) VCF-style: chr9-140127603-A-G.
Other names: c.560+36A>G (NM_001177317.2, NM_080877.3).
Identifiers: ClinVar variation 4982441 (VCV004982441.1).

ClinVar aggregate classification (germline): Likely benign (1 of 4 stars; one submission).

Conditions:
SLC34A3-related disorder. Also called: SLC34A3-related condition.

Submission:

PreventionGenetics, part of Exact Sciences
Classification: Likely benign for SLC34A3-related condition. Last evaluated: 2024-12-04. Review status: criteria provided, single submitter. Criteria: ACMG Guidelines, 2015. Collection method: clinical testing. Allele origin: germline.
Comment: This variant is classified as likely benign based on ACMG/AMP sequence variant interpretation guidelines (Richards et al. 2015 PMID: 25741868, with internal and published modifications).